The following is an entry in ClinVar:

NM_015166.4(MLC1):c.487G>A (p.Ala163Thr)

Gene: MLC1 (modulator of VRAC current 1; minus strand). Cytogenetic location: 22q13.33.
Variant type: single nucleotide variant.
Coding change: c.487G>A on transcript NM_015166.4 (MANE Select); coding-DNA position 487, G replaced by A.
Protein change: p.Ala163Thr; replaces alanine 163 with threonine.
Molecular consequence: missense variant. On other transcripts: non-coding transcript variant (3).
Genome position (GRCh38, 1-based): chr22:50,077,439, C>T on the plus strand (G>A on the coding strand, the complement: MLC1 is on the minus strand). VCF-style: chr22-50077439-C-T. GRCh37 (hg19) VCF-style: chr22-50515868-C-T.
Other names: c.487G>A, p.Ala163Thr (NM_001376472.1, NM_001376473.1, NM_001376474.1 and 6 more transcripts); c.397G>A, p.Ala133Thr (NM_001376480.1); c.385G>A, p.Ala129Thr (NM_001376481.1); c.331G>A, p.Ala111Thr (NM_001376482.1, NM_001376483.1); c.250G>A, p.Ala84Thr (NM_001376484.1); short protein forms A111T, A129T, A133T, A163T, A84T.
Identifiers: ClinVar variation 2498912 (VCV002498912.28), dbSNP rs1397666411, ClinGen allele CA412109742.

ClinVar aggregate classification (germline): Uncertain significance (1 of 4 stars; one submission).

Allele frequency attached by ClinVar (database versions not stated): TOPMed below 0.00001; gnomAD 0.00001; gnomAD exomes 0.00001.
gnomAD v4.1: 14 of 1,613,754 alleles (0.00087%); highest among the groups gnomAD compares: East Asian, 0.0022%; no homozygotes.

Submission:

CeGaT Center for Human Genetics Tuebingen
Classification: Uncertain significance. Last evaluated: 2023-03-01. Review status: criteria provided, single submitter. Criteria: CeGaT Center For Human Genetics Tuebingen Variant Classification Criteria Version 2. Collection method: clinical testing. Allele origin: germline. Affected: yes. Observed: 1 variant allele.
Comment: MLC1: PM2, BP4